The following is an entry in ClinVar:

ClinVar aggregate classification (germline): Uncertain significance. Review status: criteria provided, multiple submitters, no conflicts (2 of 4 stars). 5 submissions from 5 submitters: Uncertain significance (5). Last evaluated 2025-10-13.

Conditions:
Cardiovascular phenotype. Identifiers: MedGen CN230736.
Cardiomyopathy (CMYO). Also called: Cardiomyopathies. Identifiers: Orphanet 167848, MedGen C0878544, MONDO:0004994, HP:0001638. Inheritance: Various modes of inheritance.
Arrhythmogenic right ventricular dysplasia 5. Also called: ARRHYTHMOGENIC RIGHT VENTRICULAR DYSPLASIA, FAMILIAL, 5; Arrhythmogenic Right Ventricular Dysplasia/Cardiomyopathy 5. Identifiers: MedGen C1858379, MONDO:0011459, OMIM 604400.

Allele frequency attached by ClinVar (database versions not stated): gnomAD 0.00001; gnomAD exomes 0.00001 and 0.00002; ExAC 0.00002; TOPMed 0.00002; ESP Exome Variant Server 0.00008.
gnomAD v4.1: 21 of 1,612,470 alleles (0.0013%); highest among the groups gnomAD compares: South Asian, 0.0033%; no homozygotes.

Submissions (5):

Labcorp Genetics (formerly Invitae), Labcorp
Classification: Uncertain significance for Arrhythmogenic right ventricular dysplasia 5. Last evaluated: 2025-10-13. Review status: criteria provided, single submitter. Criteria: Invitae Variant Classification Sherloc (09022015). Collection method: clinical testing. Allele origin: germline.
Comment: This sequence change replaces aspartic acid, which is acidic and polar, with asparagine, which is neutral and polar, at codon 251 of the TMEM43 protein (p.Asp251Asn). This variant is present in population databases (rs375481688, gnomAD 0.006%). This variant has not been reported in the literature in individuals affected with TMEM43-related conditions. ClinVar contains an entry for this variant (Variation ID: 202120). An algorithm developed to predict the effect of missense changes on protein structure and function (PolyPhen-2) suggests that this variant is likely to be tolerated. In summary, the available evidence is currently insufficient to determine the role of this variant in disease. Therefore, it has been classified as a Variant of Uncertain Significance.

All of Us Research Program, National Institutes of Health
Classification: Uncertain significance for Arrhythmogenic right ventricular dysplasia 5. Last evaluated: 2023-11-02. Review status: criteria provided, single submitter. Criteria: ACMG Guidelines, 2015. Collection method: clinical testing. Allele origin: germline. Inheritance: Autosomal dominant inheritance. Observed: 2 variant alleles, 2 heterozygotes.
Comment: This missense variant replaces aspartic acid with asparagine at codon 251 of the TMEM43 protein. Computational prediction suggests that this variant may not impact protein structure and function (internally defined REVEL score threshold <= 0.5, PMID: 27666373). To our knowledge, functional studies have not been reported for this variant. This variant has not been reported in individuals affected with cardiovascular disorders in the literature. This variant has been identified in 5/249786 chromosomes in the general population by the Genome Aggregation Database (gnomAD). The available evidence is insufficient to determine the role of this variant in disease conclusively. Therefore, this variant is classified as a Variant of Uncertain Significance.

This study involves interpretation of variants in research participants for the purpose of population health screening. Participant phenotype was not available at the time of variant classification. Additional details can be found in publication PMID: 35346344, PMCID: PMC8962531

Color Diagnostics, LLC DBA Color Health
Classification: Uncertain significance for Cardiomyopathy. Last evaluated: 2023-10-11. Review status: criteria provided, single submitter. Criteria: ACMG Guidelines, 2015. Collection method: clinical testing. Allele origin: germline.
Comment: This missense variant replaces aspartic acid with asparagine at codon 251 of the TMEM43 protein. Computational prediction suggests that this variant may not impact protein structure and function (internally defined REVEL score threshold <= 0.5, PMID: 27666373). To our knowledge, functional studies have not been reported for this variant. This variant has not been reported in individuals affected with cardiovascular disorders in the literature. This variant has been identified in 5/249786 chromosomes in the general population by the Genome Aggregation Database (gnomAD). The available evidence is insufficient to determine the role of this variant in disease conclusively. Therefore, this variant is classified as a Variant of Uncertain Significance.

Ambry Genetics
Classification: Uncertain significance for Cardiovascular phenotype. Last evaluated: 2023-06-05. Review status: criteria provided, single submitter. Criteria: Ambry Variant Classification Scheme 2023. Collection method: clinical testing. Allele origin: germline.
Comment: The p.D251N variant (also known as c.751G>A), located in coding exon 9 of the TMEM43 gene, results from a G to A substitution at nucleotide position 751. The aspartic acid at codon 251 is replaced by asparagine, an amino acid with highly similar properties. This amino acid position is conserved. In addition, this alteration is predicted to be tolerated by in silico analysis. Since supporting evidence is limited at this time, the clinical significance of this alteration remains unclear.

GeneDx
Classification: Uncertain significance. Last evaluated: 2015-09-22. Review status: criteria provided, single submitter. Criteria: GeneDx Variant Classification (06012015). Collection method: clinical testing. Allele origin: germline. Affected: yes.
Comment: p.Asp251Asn (GAT>AAT): c.751 G>A in exon 9 of the TMEM43 gene (NM_024334.2). The Asp251Asn variant in the TMEM43 gene has not been reported as a disease-causing mutation or as a benign polymorphism to our knowledge. Asp251Asn results in a semi-conservative amino acid substitution of negatively charged Aspartic acid with a neutral, polar Asparagine at a position that is conserved in mammals. In silico analysis predicts Asp251Asn is benign to the protein structure/function. The Asp251Asn variant was not observed with any significant frequency in approximately 6,500 individuals of European and African American ancestry in the NHLBI Exome Sequencing Project. Nevertheless, no mutations in nearby residues have been reported in association with ARVC. With the clinical and molecular information available at this time, we cannot definitively determine if Asp251Asn is a disease-causing mutation or a rare benign variant. The variant is found in ARVC panel(s).

NM_024334.3(TMEM43):c.751G>A (p.Asp251Asn)

Gene: TMEM43 (transmembrane protein 43; plus strand). Cytogenetic location: 3p25.1.
Variant type: single nucleotide variant.
Coding change: c.751G>A on transcript NM_024334.3 (MANE Select); coding-DNA position 751, G replaced by A.
Protein change: p.Asp251Asn; replaces aspartic acid 251 with asparagine.
Molecular consequence: missense variant.
Genome position (GRCh38, 1-based): chr3:14,135,203, G>A. VCF-style: chr3-14135203-G-A. GRCh37 (hg19) VCF-style: chr3-14176703-G-A.
Other names: p.D251N:GAT>AAT; short protein forms D251N.
Identifiers: ClinVar variation 202120 (VCV000202120.15), dbSNP rs375481688, ClinGen allele CA024751.
Genomic context (GRCh38, chr3:14,135,203, plus strand): 5'-CTCTTCCACCCCCAGGTGGGAGACTTGCGTGTCTCCTTTTCCTATGCTGGACTGAGCGGC[G>A]ATGACCCTGACCTGGGCCCAGCTCACGTGGTAACCTGGCTTCCCAGGGGCAGACACTAAG-3'
Protein context (NP_077310.1, residues 241-261): VSFSYAGLSG[Asp251Asn]DPDLGPAHVV